The following is an entry in ClinVar:

ClinVar aggregate classification (germline): Uncertain significance (1 of 4 stars; one submission).

Submission:

CeGaT Center for Human Genetics Tuebingen
Classification: Uncertain significance. Last evaluated: 2024-12-01. Review status: criteria provided, single submitter. Criteria: CeGaT Center For Human Genetics Tuebingen Variant Classification Criteria Version 2. Collection method: clinical testing. Allele origin: germline. Affected: yes. Observed: 1 variant allele.
Comment: OTOA: PM2

NM_144672.4(OTOA):c.1642T>G (p.Tyr548Asp)

Gene: OTOA (otoancorin). Cytogenetic location: 16p12.2.
Variant type: single nucleotide variant.
Coding change: c.1642T>G on transcript NM_144672.4 (MANE Select); coding-DNA position 1642, T replaced by G.
Protein change: p.Tyr548Asp; replaces tyrosine 548 with aspartic acid.
Molecular consequence: missense variant.
Genome position (GRCh38, 1-based): chr16:21,719,145, T>G. VCF-style: chr16-21719145-T-G. GRCh37 (hg19) VCF-style: chr16-21730466-T-G.
Other names: c.1405T>G, p.Tyr469Asp (NM_001161683.2); c.670T>G, p.Tyr224Asp (NM_170664.3); short protein forms Y224D, Y469D, Y548D.
Identifiers: ClinVar variation 3772119 (VCV003772119.13).